The following is an entry in ClinVar:

ClinVar aggregate classification (germline): Uncertain significance. Review status: criteria provided, multiple submitters, no conflicts (2 of 4 stars). 2 submissions from 2 submitters: Uncertain significance (2). Last evaluated 2024-05-28.

Conditions:
Lipoic acid synthetase deficiency. Also called: HYPERGLYCINEMIA, LACTIC ACIDOSIS, AND SEIZURES. Identifiers: Orphanet 401859, MedGen C3280887, MONDO:0013762, OMIM 614462.
Inborn genetic diseases. Identifiers: MedGen C0950123, MeSH D030342.

Allele frequency attached by ClinVar (database versions not stated): gnomAD exomes below 0.00001 and 0.00001; TOPMed below 0.00001; gnomAD 0.00001.
gnomAD v4.1: 8 of 1,613,678 alleles (0.0005%); highest among the groups gnomAD compares: South Asian, 0.0066%; no homozygotes.

Submissions (2):

Ambry Genetics
Classification: Uncertain significance for Inborn genetic diseases. Last evaluated: 2024-05-28. Review status: criteria provided, single submitter. Criteria: Ambry Variant Classification Scheme 2023. Collection method: clinical testing. Allele origin: germline.

Labcorp Genetics (formerly Invitae), Labcorp
Classification: Uncertain significance for Lipoic acid synthetase deficiency. Last evaluated: 2022-08-16. Review status: criteria provided, single submitter. Criteria: Invitae Variant Classification Sherloc (09022015). Collection method: clinical testing. Allele origin: germline.
Comment: ClinVar contains an entry for this variant (Variation ID: 656689). This sequence change replaces alanine, which is neutral and non-polar, with valine, which is neutral and non-polar, at codon 8 of the LIAS protein (p.Ala8Val). The frequency data for this variant in the population databases is considered unreliable, as metrics indicate poor data quality at this position in the gnomAD database. This variant has not been reported in the literature in individuals affected with LIAS-related conditions. Algorithms developed to predict the effect of missense changes on protein structure and function output the following: SIFT: "Tolerated"; PolyPhen-2: "Benign"; Align-GVGD: "Class C0". The valine amino acid residue is found in multiple mammalian species, which suggests that this missense change does not adversely affect protein function. In summary, the available evidence is currently insufficient to determine the role of this variant in disease. Therefore, it has been classified as a Variant of Uncertain Significance.

NM_006859.4(LIAS):c.23C>T (p.Ala8Val)

Genes: LIAS (lipoic acid synthetase; plus strand), LOC112939935 (Sharpr-MPRA regulatory region 11886; plus strand). Cytogenetic location: 4p14.
Variant type: single nucleotide variant.
Coding change: c.23C>T on transcript NM_006859.4 (MANE Select); coding-DNA position 23, C replaced by T.
Protein change: p.Ala8Val; replaces alanine 8 with valine.
Molecular consequence: missense variant.
Genome position (GRCh38, 1-based): chr4:39,459,140, C>T. VCF-style: chr4-39459140-C-T. GRCh37 (hg19) VCF-style: chr4-39460760-C-T.
Other names: c.23C>T (NM_006859.2); c.23C>T, p.Ala8Val (NM_001278590.2, NM_001278591.2, NM_001278592.2 and 2 more transcripts); short protein forms A8V.
Identifiers: ClinVar variation 656689 (VCV000656689.6), dbSNP rs1467308371, ClinGen allele CA356663498.
Genomic context (GRCh38, chr4:39,459,140, plus strand): 5'-TCCCTCAACCCCTGCACTGCGCTAGTCCTAAAGAGGAAATGTCTCTACGCTGCGGGGATG[C>T]AGCCCGCACCCTGGGGCCCCGGGTGAGCGGCGGGGCGAACGGGTTTGGGCGTGGGGTGGG-3'
Protein context (NP_006850.2, residues 1-18): MSLRCGD[Ala8Val]ARTLGPRVFG